The following is an entry in ClinVar:

ClinVar aggregate classification (germline): Pathogenic (1 of 4 stars; one submission).

Submission:

GeneDx
Classification: Pathogenic. Last evaluated: 2023-10-07. Review status: criteria provided, single submitter. Criteria: GeneDx Variant Classification Process June 2021. Collection method: clinical testing. Allele origin: germline. Affected: yes.
Comment: Nonsense variant predicted to result in protein truncation or nonsense mediated decay in a gene for which loss of function is a known mechanism of disease; Not observed at significant frequency in large population cohorts (gnomAD); This variant is associated with the following publications: (PMID: 25525159, 15776412)

NM_001370658.1(BTD):c.223C>T (p.Gln75Ter)

Gene: BTD (biotinidase; plus strand). Cytogenetic location: 3p25.1.
Variant type: single nucleotide variant.
Coding change: c.223C>T on transcript NM_001370658.1 (MANE Select); coding-DNA position 223, C replaced by T.
Protein change: p.Gln75Ter; replaces glutamine 75 with a stop codon.
Molecular consequence: nonsense.
Genome position (GRCh38, 1-based): chr3:15,635,662, C>T. VCF-style: chr3-15635662-C-T. GRCh37 (hg19) VCF-style: chr3-15677169-C-T.
Other names: c.283C>T, p.Gln95Ter (NM_000060.4); c.223C>T, p.Gln75Ter (NM_001281723.4, NM_001281724.3, NM_001407365.1 and 37 more transcripts); short protein forms Q75*.
Identifiers: ClinVar variation 3340250 (VCV003340250.1), dbSNP rs397514349.